The following is an entry in ClinVar:

ClinVar aggregate classification (germline): Pathogenic/Likely pathogenic. Review status: criteria provided, multiple submitters, no conflicts (2 of 4 stars). 12 submissions from 12 submitters: Pathogenic (9); Likely pathogenic (2). 1 of the submissions does not count toward it. Last evaluated 2026-09-25.

Conditions:
ATM-related disorder. Also called: ATM-related disorders; ATM-related condition.
Hereditary cancer-predisposing syndrome. Also called: Hereditary Cancer Syndrome; Tumor predisposition; Neoplastic Syndromes, Hereditary; Hereditary neoplastic syndrome. Identifiers: Orphanet 140162, MedGen C0027672, MeSH D009386, MONDO:0015356.
Familial cancer of breast. Also called: hereditary breast carcinoma; BREAST CANCER, FAMILIAL; Hereditary breast cancer. Identifiers: Orphanet 227535, MedGen C0346153, MONDO:0016419, OMIM 114480. Disease mechanism: loss of function.
Ataxia-telangiectasia syndrome (AT). Also called: ATAXIA-TELANGIECTASIA, COMPLEMENTATION GROUP A; ATAXIA-TELANGIECTASIA, FRESNO VARIANT; Ataxia-telangiectasia; Ataxia-telangiectasia, complementation group E; Cerebello-oculocutaneous telangiectasia; Immunodeficiency with ataxia telangiectasia. Identifiers: Orphanet 100, MedGen C0004135, MONDO:0008840, OMIM 208900.

Submissions (12):

GeneDx
Classification: Pathogenic. Last evaluated: 2026-09-25. Review status: criteria provided, single submitter. Criteria: GeneDx Variant Classification Process June 2021. Collection method: clinical testing. Allele origin: germline.
Comment: Observed in an individual with an additional ATM variant, phase unknown, with hypersensitivity to ionizing radiation and a range of neurological, developmental, and immunological features (PMID: 34153142); Observed in individuals with a personal and/or family history of melanoma, prostate cancer and/or breast cancer (PMID: 26689913, 27433846, 29625052, 32832836, 36446039, 39029294, 39565531); Frameshift variant predicted to result in protein truncation or nonsense mediated decay in a gene for which loss of function is a known mechanism of disease; Truncating variants in this gene are considered pathogenic by a well-established clinical consortium and/or database; Not observed at significant frequency in large population cohorts (gnomAD); This variant is associated with the following publications: (PMID: 26689913, 27433846, 29625052, 32832836, 32427313, 29868112, 31658756, 34153142, 29922827, 36451132, 36446039, 39029294, 39565531)

Labcorp Genetics (formerly Invitae), Labcorp
Classification: Pathogenic for Ataxia-telangiectasia syndrome. Last evaluated: 2025-10-27. Review status: criteria provided, single submitter. Criteria: Invitae Variant Classification Sherloc (09022015). Collection method: clinical testing. Allele origin: germline.
Comment: This sequence change creates a premature translational stop signal (p.Tyr2334Glnfs*4) in the ATM gene. It is expected to result in an absent or disrupted protein product. Loss-of-function variants in ATM are known to be pathogenic (PMID: 23807571, 25614872). This variant is present in population databases (rs763554569, gnomAD 0.007%). This premature translational stop signal has been observed in individual(s) with prostate cancer (PMID: 27433846). ClinVar contains an entry for this variant (Variation ID: 187035). For these reasons, this variant has been classified as Pathogenic.

PreventionGenetics, part of Exact Sciences
Classification: Pathogenic for ATM-related condition. Last evaluated: 2024-12-08. Review status: criteria provided, single submitter. Criteria: ACMG Guidelines, 2015. Collection method: clinical testing. Allele origin: germline.
Comment: The ATM c.7000_7003delTACA variant is predicted to result in a frameshift and premature protein termination (p.Tyr2334Glnfs*4). This variant has been reported in multiple individuals with prostate cancer, pancreatic cancer, breast cancer, and unaffected controls from various ethnicities (see for example, Pritchard et al. 2016. PubMed ID: 27433846; Matejcic et al. 2020. PubMed ID: 32832836; Torrezan et al. 2018. PubMed ID: 29868112). This variant has also been reported in an individual with autosomal recessive ataxia telangiectasia (Gupta et al. 2021. PubMed ID: 34153142). This variant is reported in 0.00088% of alleles in individuals of European (non-Finnish) descent in gnomAD. This variant has been consistently classified as likely pathogenic or pathogenic in ClinVar. Frameshift variants in ATM are expected to be pathogenic (Huang et al. 2013. PubMed ID: 23807571; Podralska et al. 2014. PubMed ID: 25614872; Fiévet et al. 2019. PubMed ID: 31050087). This variant is interpreted as pathogenic.

Natera, Inc.
Classification: Likely pathogenic for Ataxia-telangiectasia. Last evaluated: 2024-10-31. Review status: criteria provided, single submitter. Criteria: Natera Variant Classification Schema (03/2026). Collection method: clinical testing. Allele origin: germline.
Comment: The c.7000_7003delTACA variant in ATM is a frameshift variant predicted to shift the reading frame beginning at codon 2334 and leads to a stop codon 4 codons downstream. This variant is expected to result in nonsense mediated decay, truncation, or a dysfunctional protein product. This variant is rare in the general population with a frequency below the threshold expected for the associated phenotype(s). Given the available evidence, this variant is classified as Likely Pathogenic.

Baylor Genetics
Classification: Pathogenic for Familial cancer of breast. Last evaluated: 2024-02-19. Review status: criteria provided, single submitter. Criteria: ACMG Guidelines, 2015. Collection method: clinical testing. Allele origin: unknown.

Myriad Genetics, Inc.
Classification: Pathogenic for Familial cancer of breast. Last evaluated: 2024-01-30. Review status: criteria provided, single submitter. Criteria: Myriad Autosomal Dominant, Autosomal Recessive and X-Linked Classification Criteria (2023). Collection method: clinical testing. Allele origin: unknown.
Comment: This variant is considered pathogenic. This variant creates a frameshift predicted to result in premature protein truncation.

Ambry Genetics
Classification: Pathogenic for Hereditary cancer-predisposing syndrome. Last evaluated: 2023-09-05. Review status: criteria provided, single submitter. Criteria: Ambry Variant Classification Scheme 2023. Collection method: clinical testing. Allele origin: germline.
Comment: The c.7000_7003delTACA pathogenic mutation, located in coding exon 47 of the ATM gene, results from a deletion of 4 nucleotides at positions 7000 to 7003, causing a translational frameshift with a predicted alternate stop codon (p.Y2334Qfs*4). This alteration was identified in 1/692 men with metastatic prostate cancer who were unselected for family history of cancer or age at diagnosis (Pritchard CC et al. N. Engl. J. Med. 2016 Aug;375(5):443-53). In addition to the clinical data presented in the literature, this alteration is expected to result in loss of function by premature protein truncation or nonsense-mediated mRNA decay. As such, this alteration is interpreted as a disease-causing mutation.

Sema4
Classification: Pathogenic for Hereditary cancer-predisposing syndrome. Last evaluated: 2021-10-19. Review status: criteria provided, single submitter. Criteria: Sema4 Curation Guidelines. Collection method: curation. Allele origin: germline.
Comment: The ATM c.7000_7003delTACA (p.Y2334QfsX4) variant has been reported in heterozygosity in at least four individuals with prostate cancer and one with breast cancer (PMID: 27433846, 29625052, 29868112, 32832836, 32427313). This variant causes a frameshift at amino acid 2334 that results in premature termination four amino acids downstream. At this location, the variant is predicted to cause nonsense-mediated decay, leading to loss of gene function. A loss-of-function variant of ATM is known to cause ataxia telangiectasia (AT) when present along with a second pathogenic ATM variant on the other allele. (PMID: 31050087). In addition, individuals who are heterozygous (i.e. carry a single ATM variant) have an increased risk of developing cancer, predominantly breast cancer (3-4-fold increased risk, PMID: 20301790). This variant was observed in 1/113416 chromosomes in the European (non-Finnish) population according to the Genome Aggregation Database (PMID: 32461654), and has been reported in ClinVar (Variation ID: 187035). Based on the current evidence available, this variant is interpreted as pathogenic.

Athena Diagnostics
Classification: Likely pathogenic. Last evaluated: 2021-05-11. Review status: criteria provided, single submitter. Criteria: Athena Diagnostics criteria. Collection method: clinical testing. Allele origin: unknown.
Comment: This variant is expected to result in the loss of a functional protein. The frequency of this variant in the general population is consistent with pathogenicity.

Color Diagnostics, LLC DBA Color Health
Classification: Pathogenic for Hereditary cancer-predisposing syndrome. Last evaluated: 2020-01-15. Review status: criteria provided, single submitter. Criteria: ACMG Guidelines, 2015. Collection method: clinical testing. Allele origin: germline.
Comment: This variant deletes 4 nucleotides in exon 48 of the ATM gene, creating a frameshift and premature translation stop signal. This variant is expected to result in an absent or non-functional protein product. This variant has been identified in 1/251036 chromosomes in the general population by the Genome Aggregation Database (gnomAD). Loss of ATM function is a known mechanism of disease. Based on the available evidence, this variant is classified as Pathogenic.

Revvity Omics, Revvity
Classification: Pathogenic for Ataxia-telangiectasia syndrome. Last evaluated: 2019-05-14. Review status: criteria provided, single submitter. Criteria: ACMG Guidelines, 2015. Collection method: clinical testing. Allele origin: germline.

Counsyl
Classification: Likely pathogenic for Ataxia-telangiectasia syndrome. Last evaluated: 2015-12-15. Review status: no assertion criteria provided. Collection method: clinical testing. Allele origin: unknown. Not counted in ClinVar's aggregate classification.

Literature cited by the submitters: PubMed 23807571 (cited by Labcorp Genetics (formerly Invitae), Labcorp); PubMed 25614872 (cited by Labcorp Genetics (formerly Invitae), Labcorp); PubMed 27433846 (cited by 3 submitters); PubMed 29868112 (cited by 3 submitters); PubMed 29625052 (cited by Sema4); PubMed 32832836 (cited by Sema4); PubMed 32427313 (cited by Sema4); PubMed 31050087 (cited by Sema4); PubMed 20301790 (cited by Sema4).

NM_000051.4(ATM):c.7000_7003del (p.Tyr2334fs)

Genes: ATM (ATM serine/threonine kinase; plus strand), C11orf65 (chromosome 11 open reading frame 65; minus strand). Cytogenetic location: 11q22.3.
Variant type: Microsatellite.
Coding change: c.7000_7003del on transcript NM_000051.4 (MANE Select); coding-DNA positions 7000 to 7003, 4 bases deleted (TACA; older notation c.7000_7003delTACA).
Protein change: p.Tyr2334fs; shifts the reading frame from tyrosine 2334.
Molecular consequence: frameshift variant. On other transcripts: intron variant (2).
Genome position (GRCh38, 1-based): chr11:108,327,669-108,327,672, TACA deleted; deleting any 4 consecutive bases within chr11:108,327,665-108,327,672 gives the same sequence; the c. name uses the placement nearest the transcript's 3' end. VCF-style (leftmost placement, unchanged base first): chr11-108327664-TTACA-T. GRCh37 (hg19) VCF-style: chr11-108198391-TTACA-T.
Other names: c.7000_7003del, p.Tyr2334fs (NM_001351834.2); c.641-18597_641-18594del (NM_001330368.2); c.*38+7552_*38+7555del (NM_001351110.2); c.7000_7003delTACA (NM_000051.3); c.7000_7003del (NM_000051.3); short protein forms Y2334fs.
Identifiers: ClinVar variation 187035 (VCV000187035.33), dbSNP rs786203421, ClinGen allele CA196561.